The following is an entry in ClinVar:

ClinVar aggregate classification (germline): Uncertain significance (1 of 4 stars; one submission).

Conditions:
Episodic ataxia type 2 (EA2). Also called: ATAXIA, EPISODIC, WITH NYSTAGMUS; ATAXIA, FAMILIAL PAROXYSMAL; CEREBELLAR ATAXIA, PAROXYSMAL, ACETAZOLAMIDE-RESPONSIVE; CEREBELLOPATHY, HEREDITARY PAROXYSMAL; EPISODIC ATAXIA, NYSTAGMUS-ASSOCIATED; ACETAZOLAMIDE-RESPONSIVE HEREDITARY PAROXYSMAL CEREBELLAR ATAXIA. Identifiers: Orphanet 97, MedGen C1720416, MONDO:0007163, OMIM 108500.
Developmental and epileptic encephalopathy, 42 (DEE42A). Also called: Epileptic encephalopathy, early infantile, 42; DEVELOPMENTAL AND EPILEPTIC ENCEPHALOPATHY 42A; EPILEPTIC ENCEPHALOPATHY, EARLY INFANTILE, 42A. Identifiers: MedGen C4310716, MONDO:0014917, OMIM 617106.

Submission:

Labcorp Genetics (formerly Invitae), Labcorp
Classification: Uncertain significance for Developmental and epileptic encephalopathy, 42; Episodic ataxia type 2. Last evaluated: 2022-02-04. Review status: criteria provided, single submitter. Criteria: Invitae Variant Classification Sherloc (09022015). Collection method: clinical testing. Allele origin: germline.
Comment: In summary, the available evidence is currently insufficient to determine the role of this variant in disease. Therefore, it has been classified as a Variant of Uncertain Significance. Variants that disrupt the consensus splice site are a relatively common cause of aberrant splicing (PMID: 17576681, 9536098). Algorithms developed to predict the effect of sequence changes on RNA splicing suggest that this variant may disrupt the consensus splice site. This variant has not been reported in the literature in individuals affected with CACNA1A-related conditions. This variant is not present in population databases (gnomAD no frequency). This sequence change falls in intron 22 of the CACNA1A gene. It does not directly change the encoded amino acid sequence of the CACNA1A protein. It affects a nucleotide within the consensus splice site.

Literature cited by the submitters: PubMed 17576681; PubMed 9536098.

NM_001127222.2(CACNA1A):c.3822+6T>C

Gene: CACNA1A (calcium voltage-gated channel subunit alpha1 A; minus strand). Cytogenetic location: 19p13.13.
Variant type: single nucleotide variant.
Coding change: c.3822+6T>C on transcript NM_001127222.2 (MANE Select); 6 bases into the intron after coding-DNA position 3822, T replaced by C.
Molecular consequence: intron variant.
Genome position (GRCh38, 1-based): chr19:13,283,261, A>G on the plus strand (T>C on the coding strand, the complement: CACNA1A is on the minus strand). VCF-style: chr19-13283261-A-G. GRCh37 (hg19) VCF-style: chr19-13394075-A-G.
Other names: c.3825+6T>C (NM_001127221.2, NM_001174080.2); c.3834+6T>C (NM_000068.4, NM_023035.3).
Identifiers: ClinVar variation 2092703 (VCV002092703.4), dbSNP rs2512840461, ClinGen allele CA2580096580.